The following is an entry in ClinVar:

ClinVar aggregate classification (germline): Uncertain significance (1 of 4 stars; one submission).

Conditions:
White-Kernohan syndrome. Also called: GLOBAL DEVELOPMENTAL DELAY, HYPOTONIA, AND CHARACTERISTIC FACIAL FEATURES. Identifiers: MedGen C5543635, MONDO:0859169, OMIM 619426.

Submission:

Laboratorio de Genetica e Diagnostico Molecular, Hospital Israelita Albert Einstein
Classification: Uncertain significance for White-Kernohan syndrome. Last evaluated: 2022-07-22. Review status: criteria provided, single submitter. Criteria: ACMG Guidelines, 2015. Collection method: clinical testing. Allele origin: germline. Affected: yes.
Comment: ACMG classification criteria: PM2 moderate

NM_001923.5(DDB1):c.472C>T (p.Arg158Cys)

Gene: DDB1 (damage specific DNA binding protein 1; minus strand). Cytogenetic location: 11q12.2.
Variant type: single nucleotide variant.
Coding change: c.472C>T on transcript NM_001923.5 (MANE Select); coding-DNA position 472, C replaced by T.
Protein change: p.Arg158Cys; replaces arginine 158 with cysteine.
Molecular consequence: missense variant.
Genome position (GRCh38, 1-based): chr11:61,329,440, G>A on the plus strand (C>T on the coding strand, the complement: DDB1 is on the minus strand). VCF-style: chr11-61329440-G-A. GRCh37 (hg19) VCF-style: chr11-61096912-G-A.
Other names: short protein forms R158C.
Identifiers: ClinVar variation 3901938 (VCV003901938.1).